The following is an entry in ClinVar:

ClinVar aggregate classification (germline): Benign. Review status: reviewed by expert panel (3 of 4 stars). 2 submissions from 2 submitters: Benign (1). 1 of the submissions does not count toward it. Last evaluated 2015-01-12.

Conditions:
Breast-ovarian cancer, familial, susceptibility to, 1 (BROVCA1). Also called: BRCA1 Hereditary Breast and Ovarian Cancer; OVARIAN CANCER, SUSCEPTIBILITY TO. Identifiers: Orphanet 145, MedGen C2676676, MONDO:0011450, OMIM 604370. Disease mechanism: loss of function.

Allele frequency attached by ClinVar (database versions not stated): 1000 Genomes Project 30x 0.00375; TOPMed 0.00412; 1000 Genomes Project 0.00439; gnomAD 0.00776 and 0.00780.

Submissions (2):

Evidence-based Network for the Interpretation of Germline Mutant Alleles (ENIGMA)
Classification: Benign for Breast-ovarian cancer, familial 1. Last evaluated: 2015-01-12. Review status: reviewed by expert panel. Criteria: ENIGMA BRCA1/2 Classification Criteria (2015). Collection method: curation. Allele origin: germline.
Comment: Class 1 not pathogenic based on frequency >1% in an outbred sampleset. Frequency 0.01055 (European), derived from 1000 genomes (2012-04-30).

GeneDx
Classification: Likely benign. Last evaluated: 2018-06-17. Review status: criteria provided, single submitter. Criteria: GeneDx Variant Classification (06012015). Collection method: clinical testing. Allele origin: germline. Affected: yes. Not counted in ClinVar's aggregate classification.
Comment: This variant is considered likely benign or benign based on one or more of the following criteria: it is a conservative change, it occurs at a poorly conserved position in the protein, it is predicted to be benign by multiple in silico algorithms, and/or has population frequency not consistent with disease.

NM_007294.4(BRCA1):c.5468-268A>C

Gene: BRCA1 (BRCA1 DNA repair associated; minus strand). Cytogenetic location: 17q21.31.
Variant type: single nucleotide variant.
Coding change: c.5468-268A>C on transcript NM_007294.4 (MANE Select); 268 bases into the intron before coding-DNA position 5468, A replaced by C.
Molecular consequence: intron variant.
Genome position (GRCh38, 1-based): chr17:43,046,070, T>G on the plus strand (A>C on the coding strand, the complement: BRCA1 is on the minus strand). VCF-style: chr17-43046070-T-G. GRCh37 (hg19) VCF-style: chr17-41198087-T-G.
Other names: IVS 23-268A>C; c.2078-268A>C (NM_001408416.1, NM_001408414.1, NM_001408415.1 and 2 more transcripts); c.5255-268A>C (NM_001407571.1, NM_001407907.1, NM_001407902.1 and 12 more transcripts); c.5132-268A>C (NM_001407950.1, NM_001407953.1, NM_001407955.1 and 3 more transcripts); c.5135-268A>C (NM_001407948.1, NM_001407947.1, NM_001407949.1 and 1 more transcripts); c.1946-268A>C (NM_001408484.1, NM_001408485.1, NM_001408483.1 and 5 more transcripts); c.1949-268A>C (NM_001408478.1, NM_001408480.1, NM_001408479.1); c.5258-268A>C (NM_001407879.1, NM_001407882.1, NM_001407885.1 and 5 more transcripts); and 84 more.
Identifiers: ClinVar variation 209236 (VCV000209236.2), dbSNP rs181430678, ClinGen allele CA276208.